The following is an entry in ClinVar:

ClinVar aggregate classification (germline): Pathogenic (1 of 4 stars; one submission).

Allele frequency attached by ClinVar (database versions not stated): gnomAD exomes 0.00001.
gnomAD v4.1: 8 of 1,614,022 alleles (0.0005%); highest among the groups gnomAD compares: South Asian, 0.0033%; no homozygotes.

Submission:

Labcorp Genetics (formerly Invitae), Labcorp
Classification: Pathogenic. Last evaluated: 2025-09-28. Review status: criteria provided, single submitter. Criteria: Invitae Variant Classification Sherloc (09022015). Collection method: clinical testing. Allele origin: germline.
Comment: This sequence change creates a premature translational stop signal (p.Arg129*) in the SCO1 gene. It is expected to result in an absent or disrupted protein product. Loss-of-function variants in SCO1 are known to be pathogenic (PMID: 11013136, 23878101). This variant is present in population databases (no rsID available, gnomAD 0.006%). This variant has not been reported in the literature in individuals affected with SCO1-related conditions. Algorithms developed to predict the effect of sequence changes on RNA splicing suggest that this variant may disrupt the consensus splice site. For these reasons, this variant has been classified as Pathogenic.

Literature cited by the submitters: PubMed 11013136; PubMed 23878101.

NM_004589.4(SCO1):c.385C>T (p.Arg129Ter)

Gene: SCO1 (synthesis of cytochrome C oxidase 1; minus strand). Cytogenetic location: 17p13.1.
Variant type: single nucleotide variant.
Coding change: c.385C>T on transcript NM_004589.4 (MANE Select); coding-DNA position 385, C replaced by T.
Protein change: p.Arg129Ter; replaces arginine 129 with a stop codon.
Molecular consequence: nonsense.
Genome position (GRCh38, 1-based): chr17:10,692,941, G>A on the plus strand (C>T on the coding strand, the complement: SCO1 is on the minus strand). VCF-style: chr17-10692941-G-A. GRCh37 (hg19) VCF-style: chr17-10596258-G-A.
Other names: short protein forms R129*.
Identifiers: ClinVar variation 4703181 (VCV004703181.1), dbSNP rs1199224400.
Genomic context (GRCh38, chr17:10,692,941, plus strand): 5'-GCTCCCCAGTATGAGTTGTGAGGGAAAACGGTCCCCCAAGTAAAGGCTTGCCGATGTGTC[G>A]CTGCCGTTCCTTCTCTAACTCTTAAGGAGACAAAAACATATCGACACCAAAAAAAAAGTC-3'